The following is an entry in ClinVar:

NM_001128159.3(VPS53):c.1867-292C>T

Gene: VPS53 (VPS53 subunit of GARP complex; minus strand). Cytogenetic location: 17p13.3.
Variant type: single nucleotide variant.
Coding change: c.1867-292C>T on transcript NM_001128159.3 (MANE Select); 292 bases into the intron before coding-DNA position 1867, C replaced by T.
Molecular consequence: intron variant.
Genome position (GRCh38, 1-based): chr17:537,468, G>A on the plus strand (C>T on the coding strand, the complement: VPS53 is on the minus strand). VCF-style: chr17-537468-G-A. GRCh37 (hg19) VCF-style: chr17-440708-G-A.
Other names: c.1780-292C>T (NM_018289.4); c.1867-292C>T (NM_001366253.2); c.1273-292C>T (NM_001366254.2).
Identifiers: ClinVar variation 671931 (VCV000671931.2), dbSNP rs35320312, ClinGen allele CA14392100.

ClinVar aggregate classification (germline): Benign. Review status: criteria provided, multiple submitters, no conflicts (2 of 4 stars). 2 submissions from 2 submitters: Benign (2). Last evaluated 2018-06-19.

Allele frequency attached by ClinVar (database versions not stated): 1000 Genomes Project 30x 0.02873; 1000 Genomes Project 0.02895; TOPMed 0.05748; gnomAD 0.06099 and 0.06254; gnomAD exomes 0.06684.
gnomAD v4.1: 19,272 of 301,490 alleles (6.4%); highest among the groups gnomAD compares: Non-Finnish European, 8.8%; 856 homozygotes.

Submissions (2):

GeneDx
Classification: Benign. Last evaluated: 2018-06-19. Review status: criteria provided, single submitter. Criteria: GeneDx Variant Classification (06012015). Collection method: clinical testing. Allele origin: germline. Affected: yes.
Comment: This variant is considered likely benign or benign based on one or more of the following criteria: it is a conservative change, it occurs at a poorly conserved position in the protein, it is predicted to be benign by multiple in silico algorithms, and/or has population frequency not consistent with disease.

Breakthrough Genomics
Classification: Benign. Review status: criteria provided, single submitter. Criteria: ACMG Guidelines, 2015. Collection method: not provided. Allele origin: germline. Inheritance: Autosomal recessive inheritance. Affected: yes.